The following is an entry in ClinVar:

NM_001122764.3(PPOX):c.78C>A (p.Cys26Ter)

Gene: PPOX (protoporphyrinogen oxidase; plus strand). Cytogenetic location: 1q23.3.
Variant type: single nucleotide variant.
Coding change: c.78C>A on transcript NM_001122764.3 (MANE Select); coding-DNA position 78, C replaced by A.
Protein change: p.Cys26Ter; replaces cysteine 26 with a stop codon.
Molecular consequence: nonsense. On other transcripts: 5 prime UTR variant (5).
Genome position (GRCh38, 1-based): chr1:161,166,925, C>A. VCF-style: chr1-161166925-C-A. GRCh37 (hg19) VCF-style: chr1-161136715-C-A.
Other names: c.78C>A, p.Cys26Ter (NM_000309.5, NM_001350128.2, NM_001365398.1 and 1 more transcripts); c.-350C>A (NM_001350129.2); c.-441C>A (NM_001350130.2); c.-327C>A (NM_001350131.2); c.-234C>A (NM_001365400.1); c.-293C>A (NM_001365401.1); short protein forms C26*.
Identifiers: ClinVar variation 649718 (VCV000649718.8), dbSNP rs762280759, ClinGen allele CA343350736.

ClinVar aggregate classification (germline): Pathogenic (1 of 4 stars; one submission).

Submission:

Labcorp Genetics (formerly Invitae), Labcorp
Classification: Pathogenic. Last evaluated: 2018-11-09. Review status: criteria provided, single submitter. Criteria: Invitae Variant Classification Sherloc (09022015). Collection method: clinical testing. Allele origin: germline.
Comment: This sequence change creates a premature translational stop signal (p.Cys26*) in the PPOX gene. It is expected to result in an absent or disrupted protein product. For these reasons, this variant has been classified as Pathogenic. Loss-of-function variants in PPOX are known to be pathogenic (PMID: 10486317). This variant has been observed in an individual affected with acute intermittent porphyria (PMID: 19460837). This variant is not present in population databases (ExAC no frequency).

Literature cited by the submitters: PubMed 10486317; PubMed 19460837.